The following is an entry in ClinVar:

ClinVar aggregate classification (germline): Conflicting classifications of pathogenicity. Review status: criteria provided, conflicting classifications (1 of 4 stars). 2 submissions from 2 submitters: Uncertain significance (1); Likely benign (1). Last evaluated 2025-08-05.

Conditions:
Ataxia-telangiectasia syndrome (AT). Also called: Ataxia-telangiectasia, complementation group D; AT, COMPLEMENTATION GROUP C; Ataxia-telangiectasia; Ataxia telangiectasia (A-T); Cerebello-oculocutaneous telangiectasia; Immunodeficiency with ataxia telangiectasia. Identifiers: Orphanet 100, MedGen C0004135, MONDO:0008840, OMIM 208900.
Hereditary cancer-predisposing syndrome. Also called: Neoplastic Syndromes, Hereditary; Hereditary neoplastic syndrome; Tumor predisposition; Hereditary Cancer Syndrome. Identifiers: Orphanet 140162, MedGen C0027672, MeSH D009386, MONDO:0015356.

Submissions (2):

Ambry Genetics
Classification: Likely benign for Hereditary cancer-predisposing syndrome. Last evaluated: 2025-08-05. Review status: criteria provided, single submitter. Criteria: Ambry Variant Classification Scheme 2023. Collection method: clinical testing. Allele origin: germline.

Labcorp Genetics (formerly Invitae), Labcorp
Classification: Uncertain significance for Ataxia-telangiectasia syndrome. Last evaluated: 2025-06-08. Review status: criteria provided, single submitter. Criteria: Invitae Variant Classification Sherloc (09022015). Collection method: clinical testing. Allele origin: germline.
Comment: This sequence change replaces arginine, which is basic and polar, with glycine, which is neutral and non-polar, at codon 692 of the ATM protein (p.Arg692Gly). This variant is not present in population databases (gnomAD no frequency). This variant has not been reported in the literature in individuals affected with ATM-related conditions. ClinVar contains an entry for this variant (Variation ID: 1932979). Invitae Evidence Modeling of protein sequence and biophysical properties (such as structural, functional, and spatial information, amino acid conservation, physicochemical variation, residue mobility, and thermodynamic stability) indicates that this missense variant is not expected to disrupt ATM protein function with a negative predictive value of 95%. In summary, the available evidence is currently insufficient to determine the role of this variant in disease. Therefore, it has been classified as a Variant of Uncertain Significance.

NM_000051.4(ATM):c.2074C>G (p.Arg692Gly)

Gene: ATM (ATM serine/threonine kinase; plus strand). Cytogenetic location: 11q22.3.
Variant type: single nucleotide variant.
Coding change: c.2074C>G on transcript NM_000051.4 (MANE Select); coding-DNA position 2074, C replaced by G.
Protein change: p.Arg692Gly; replaces arginine 692 with glycine.
Molecular consequence: missense variant.
Genome position (GRCh38, 1-based): chr11:108,253,989, C>G. VCF-style: chr11-108253989-C-G. GRCh37 (hg19) VCF-style: chr11-108124716-C-G.
Other names: c.2074C>G, p.Arg692Gly (NM_001351834.2); short protein forms R692G.
Identifiers: ClinVar variation 1932979 (VCV001932979.6), dbSNP rs765965513, ClinGen allele CA382537538.